The following is an entry in ClinVar:

NM_015102.5(NPHP4):c.1463G>C (p.Arg488Pro)

Gene: NPHP4 (nephrocystin 4; minus strand). Cytogenetic location: 1p36.31.
Variant type: single nucleotide variant.
Coding change: c.1463G>C on transcript NM_015102.5 (MANE Select); coding-DNA position 1463, G replaced by C.
Protein change: p.Arg488Pro; replaces arginine 488 with proline.
Molecular consequence: missense variant. On other transcripts: non-coding transcript variant (1), intron variant (2).
Genome position (GRCh38, 1-based): chr1:5,909,192, C>G on the plus strand (G>C on the coding strand, the complement: NPHP4 is on the minus strand). VCF-style: chr1-5909192-C-G. GRCh37 (hg19) VCF-style: chr1-5969252-C-G.
Other names: c.76-3409G>C (NM_001291594.2); c.76-3412G>C (NM_001291593.2); c.1463G>C (NM_015102.4); short protein forms R488P.
Identifiers: ClinVar variation 875219 (VCV000875219.15), dbSNP rs375429200, ClinGen allele CA554489.

ClinVar aggregate classification (germline): Uncertain significance. Review status: criteria provided, multiple submitters, no conflicts (2 of 4 stars). 7 submissions from 6 submitters: Uncertain significance (7). Last evaluated 2026-06-30.

Conditions:
Inborn genetic diseases. Identifiers: MedGen C0950123, MeSH D030342.
Nephronophthisis 4 (NPHP4). Also called: NEPHRONOPHTHISIS 4, JUVENILE. Identifiers: Orphanet 655, MedGen C1847013, MONDO:0011752, OMIM 606966.
Senior-Loken syndrome 4 (SLSN4). Identifiers: Orphanet 3156, MedGen C1846979, MONDO:0011756, OMIM 606996.
Nephronophthisis. Also called: Juvenile Nephronophthisis. Identifiers: Orphanet 655, MedGen C0687120, MONDO:0019005, HP:0000090.
NPHP4-related disorder. Also called: NPHP4-related disorders; NPHP4-related condition. Identifiers: MedGen CN239384.

Allele frequency attached by ClinVar (database versions not stated): TOPMed 0.00011; ESP Exome Variant Server 0.00016.
gnomAD v4.1: 100 of 1,603,952 alleles (0.0062%); highest among the groups gnomAD compares: Non-Finnish European, 0.0083%; no homozygotes.

Submissions (7):

PreventionGenetics, part of Exact Sciences
Classification: Uncertain significance for NPHP4-related condition. Last evaluated: 2026-06-30. Review status: criteria provided, single submitter. Criteria: ACMG Guidelines, 2015. Collection method: clinical testing. Allele origin: germline.
Comment: The NPHP4 c.1463G>C variant is predicted to result in the amino acid substitution p.Arg488Pro. To our knowledge, this variant has not been reported in the literature. This variant is reported in 0.014% of alleles in individuals of European (Non-Finnish) descent in gnomAD. At this time, the clinical significance of this variant is uncertain due to the absence of conclusive functional and genetic evidence.

Labcorp Genetics (formerly Invitae), Labcorp
Classification: Uncertain significance for Nephronophthisis. Last evaluated: 2025-03-17. Review status: criteria provided, single submitter. Criteria: Invitae Variant Classification Sherloc (09022015). Collection method: clinical testing. Allele origin: germline.
Comment: This sequence change replaces arginine, which is basic and polar, with proline, which is neutral and non-polar, at codon 488 of the NPHP4 protein (p.Arg488Pro). This variant is present in population databases (rs375429200, gnomAD 0.01%). This variant has not been reported in the literature in individuals affected with NPHP4-related conditions. ClinVar contains an entry for this variant (Variation ID: 875219). An algorithm developed to predict the effect of missense changes on protein structure and function (PolyPhen-2) suggests that this variant is likely to be tolerated. In summary, the available evidence is currently insufficient to determine the role of this variant in disease. Therefore, it has been classified as a Variant of Uncertain Significance.

Blueprint Genetics
Classification: Uncertain significance. Last evaluated: 2024-04-18. Review status: criteria provided, single submitter. Criteria: ACMG Guidelines, 2015. Collection method: clinical testing. Allele origin: germline.

Fulgent Genetics
Classification: Uncertain significance for Nephronophthisis 4; Senior-Loken syndrome 4. Last evaluated: 2021-07-23. Review status: criteria provided, single submitter. Criteria: ACMG Guidelines, 2015. Collection method: clinical testing. Allele origin: unknown.

Ambry Genetics
Classification: Uncertain significance for Inborn genetic diseases. Last evaluated: 2021-07-06. Review status: criteria provided, single submitter. Criteria: Ambry Variant Classification Scheme 2023. Collection method: clinical testing. Allele origin: germline.

Illumina Laboratory Services, Illumina
Classification: Uncertain significance for Nephronophthisis 4. Last evaluated: 2018-01-13. Review status: criteria provided, single submitter. Criteria: ICSL Variant Classification Criteria 13 December 2019. Collection method: clinical testing. Allele origin: germline.

Illumina Laboratory Services, Illumina
Classification: Uncertain significance for Senior-Loken syndrome 4. Last evaluated: 2018-01-13. Review status: criteria provided, single submitter. Criteria: ICSL Variant Classification Criteria 13 December 2019. Collection method: clinical testing. Allele origin: germline.